The following is an entry in ClinVar:

NM_022051.3(EGLN1):c.836T>G (p.Leu279Arg)

Genes: EGLN1 (egl-9 family hypoxia inducible factor 1; minus strand), LOC129932769 (ATAC-STARR-seq lymphoblastoid active region 2730; plus strand). Cytogenetic location: 1q42.2.
Variant type: single nucleotide variant.
Coding change: c.836T>G on transcript NM_022051.3 (MANE Select); coding-DNA position 836, T replaced by G.
Protein change: p.Leu279Arg; replaces leucine 279 with arginine.
Molecular consequence: missense variant.
Genome position (GRCh38, 1-based): chr1:231,421,053, A>C on the plus strand (T>G on the coding strand, the complement: EGLN1 is on the minus strand). VCF-style: chr1-231421053-A-C. GRCh37 (hg19) VCF-style: chr1-231556799-A-C.
Other names: c.836T>G, p.Leu279Arg (NM_001377260.1, NM_001377261.1); short protein forms L279R.
Identifiers: ClinVar variation 4717797 (VCV004717797.1).

ClinVar aggregate classification (germline): Uncertain significance (1 of 4 stars; one submission).

Conditions:
Erythrocytosis, familial, 3 (ECYT3). Identifiers: Orphanet 247511, MedGen C1853286, MONDO:0012353, OMIM 609820.

Submission:

Labcorp Genetics (formerly Invitae), Labcorp
Classification: Uncertain significance for Erythrocytosis, familial, 3. Last evaluated: 2025-04-17. Review status: criteria provided, single submitter. Criteria: Invitae Variant Classification Sherloc (09022015). Collection method: clinical testing. Allele origin: germline.
Comment: This sequence change replaces leucine, which is neutral and non-polar, with arginine, which is basic and polar, at codon 279 of the EGLN1 protein (p.Leu279Arg). This variant is not present in population databases (gnomAD no frequency). This variant has not been reported in the literature in individuals affected with EGLN1-related conditions. An algorithm developed to predict the effect of missense changes on protein structure and function (PolyPhen-2) suggests that this variant is likely to be disruptive. In summary, the available evidence is currently insufficient to determine the role of this variant in disease. Therefore, it has been classified as a Variant of Uncertain Significance.